The following is an entry in ClinVar:

NM_138295.5(PKD1L1):c.8421C>T (p.Ser2807=)

Gene: PKD1L1 (polycystin 1 like 1, transient receptor potential channel interacting; minus strand). Cytogenetic location: 7p12.3.
Variant type: single nucleotide variant.
Coding change: c.8421C>T on transcript NM_138295.5 (MANE Select); coding-DNA position 8421, C replaced by T.
Protein change: p.Ser2807=; no amino-acid change (serine 2807 retained).
Molecular consequence: synonymous variant.
Genome position (GRCh38, 1-based): chr7:47,792,732, G>A on the plus strand (C>T on the coding strand, the complement: PKD1L1 is on the minus strand). VCF-style: chr7-47792732-G-A. GRCh37 (hg19) VCF-style: chr7-47832330-G-A.
Identifiers: ClinVar variation 3032023 (VCV003032023.2), dbSNP rs369543250, ClinGen allele CA4251729.

ClinVar aggregate classification (germline): Likely benign (0 of 4 stars; one submission).

Conditions:
PKD1L1-related disorder. Also called: PKD1L1-related condition.

Allele frequency attached by ClinVar (database versions not stated): gnomAD exomes 0.00001; ExAC 0.00003; gnomAD 0.00003; TOPMed 0.00003; ESP Exome Variant Server 0.00008.
gnomAD v4.1: 20 of 1,613,752 alleles (0.0012%); highest among the groups gnomAD compares: African/African-American, 0.0027%; no homozygotes.

Submission:

PreventionGenetics, part of Exact Sciences
Classification: Likely benign for PKD1L1-related condition. Last evaluated: 2021-04-16. Review status: no assertion criteria provided. Collection method: clinical testing. Allele origin: germline.
Comment: This variant is classified as likely benign based on ACMG/AMP sequence variant interpretation guidelines (Richards et al. 2015 PMID: 25741868, with internal and published modifications).